The following is an entry in ClinVar:

ClinVar aggregate classification (germline): Pathogenic (1 of 4 stars; one submission).

Conditions:
Nemaline myopathy 2 (NEM2). Also called: Nemaline myopathy 2, autosomal recessive. Identifiers: MedGen C1850569, MONDO:0009725, OMIM 256030.

Submission:

Labcorp Genetics (formerly Invitae), Labcorp
Classification: Pathogenic for Nemaline myopathy 2. Last evaluated: 2025-08-04. Review status: criteria provided, single submitter. Criteria: Invitae Variant Classification Sherloc (09022015). Collection method: clinical testing. Allele origin: germline.
Comment: This variant occurs in a region of NEB (Exons 82-105) consisting of three highly homologous 8-exon repeat units (exons 82-89, exons 90-97, exons 98-105). Sequence variants in this region can be detected, but this assay cannot determine which of the three repeat units is affected, and zygosity is often ambiguous. All variants in this region are reported relative to the exon 82-89 repeat. This sequence change creates a premature translational stop signal (p.Gln4581*) in the NEB gene. It is expected to result in an absent or disrupted protein product. Loss-of-function variants in NEB are known to be pathogenic (PMID: 25205138). The frequency data for this variant in the population databases (gnomAD) is considered unreliable due to the presence of homologous sequence, such as pseudogenes or paralogs, in the genome. This variant has not been reported in the literature in individuals affected with NEB-related conditions. For these reasons, this variant has been classified as Pathogenic.

Literature cited by the submitters: PubMed 25205138.

NM_001164508.2(NEB):c.13741C>T (p.Gln4581Ter)

Gene: NEB (nebulin; minus strand). Cytogenetic location: 2q23.3.
Variant type: single nucleotide variant.
Coding change: c.13741C>T on transcript NM_001164508.2 (MANE Select); coding-DNA position 13741, C replaced by T.
Protein change: p.Gln4581Ter; replaces glutamine 4581 with a stop codon.
Molecular consequence: nonsense. On other transcripts: intron variant (1).
Genome position (GRCh38, 1-based): chr2:151,600,489, G>A on the plus strand (C>T on the coding strand, the complement: NEB is on the minus strand). VCF-style: chr2-151600489-G-A. GRCh37 (hg19) VCF-style: chr2-152457003-G-A.
Other names: c.13741C>T, p.Gln4581Ter (NM_001164507.2, NM_001271208.2); c.11601+9320C>T (NM_004543.5); short protein forms Q4581*.
Identifiers: ClinVar variation 4774049 (VCV004774049.1).